The following is an entry in ClinVar:

ClinVar aggregate classification (germline): Uncertain significance (1 of 4 stars; one submission).

Conditions:
Hereditary cancer-predisposing syndrome. Also called: Neoplastic Syndromes, Hereditary; Tumor predisposition; Hereditary Cancer Syndrome; Hereditary neoplastic syndrome. Identifiers: Orphanet 140162, MedGen C0027672, MeSH D009386, MONDO:0015356.

Submission:

Ambry Genetics
Classification: Uncertain significance for Hereditary cancer-predisposing syndrome. Last evaluated: 2022-06-15. Review status: criteria provided, single submitter. Criteria: Ambry Variant Classification Scheme 2023. Collection method: clinical testing. Allele origin: germline.
Comment: The p.I599F variant (also known as c.1795A>T), located in coding exon 10 of the SMARCA4 gene, results from an A to T substitution at nucleotide position 1795. The isoleucine at codon 599 is replaced by phenylalanine, an amino acid with highly similar properties. This amino acid position is not well conserved in available vertebrate species. In addition, this alteration is predicted to be tolerated by in silico analysis. Missense and in-frame variants in SMARCA4 are known to cause neurodevelopmental disorders; however, such associations with rhabdoid tumor predisposition syndrome including small cell carcinoma of the ovary-hypercalcemic type (SCCOHT) are exceedingly rare (Kosho T et al. Am J Med Genet C Semin Med Genet. 2014 Sep;166C(3):262-75; Jelinic P et al. Nat Genet. 2014 May;46(5):424-6). Based on the supporting evidence, the association of this alteration with Coffin-Siris syndrome is unknown; however, the association of this alteration with rhabdoid tumor predisposition syndrome is unlikely.

NM_003072.5(SMARCA4):c.1795A>T (p.Ile599Phe)

Gene: SMARCA4 (SWI/SNF related BAF chromatin remodeling complex subunit ATPase 4; plus strand). Cytogenetic location: 19p13.2.
Variant type: single nucleotide variant.
Coding change: c.1795A>T on transcript NM_003072.5 (MANE Select); coding-DNA position 1795, A replaced by T.
Protein change: p.Ile599Phe; replaces isoleucine 599 with phenylalanine.
Molecular consequence: missense variant. On other transcripts: non-coding transcript variant (1).
Genome position (GRCh38, 1-based): chr19:10,996,527, A>T. VCF-style: chr19-10996527-A-T. GRCh37 (hg19) VCF-style: chr19-11107203-A-T.
Other names: c.1795A>T, p.Ile599Phe (NM_001128844.3, NM_001128845.2, NM_001128846.2 and 6 more transcripts); short protein forms I599F.
Identifiers: ClinVar variation 1780249 (VCV001780249.2), dbSNP rs1331615242, ClinGen allele CA404064842.